The following is an entry in ClinVar:

ClinVar aggregate classification (germline): risk factor (1 of 4 stars; one submission).

Conditions:
Alzheimer disease 9. Also called: ALZHEIMER DISEASE 9, LATE-ONSET; ALZHEIMER DISEASE 9, SUSCEPTIBILITY TO. Identifiers: MedGen C4282179, MONDO:0012153, OMIM 608907.

gnomAD v4.1: 2 of 1,581,462 alleles (0.00013%); highest among the groups gnomAD compares: Non-Finnish European, 0.00017%; no homozygotes.

Submission:

Kosik Lab, Neuroscience Research Institute, University of California Santa Barbara
Classification: risk factor for Alzheimer disease 9. Last evaluated: 2021-06-01. Review status: criteria provided, single submitter. Criteria: Bellenguez et al., 2017. Collection method: case-control. Allele origin: inherited. Affected: yes. Observed: 1 variant allele. Study: TANGL.
Comment: In silico algorithms classify this variant as definite pathogenic

NM_019112.4(ABCA7):c.1776G>T (p.Trp592Cys)

Gene: ABCA7 (ATP binding cassette subfamily A member 7; plus strand). Cytogenetic location: 19p13.3.
Variant type: single nucleotide variant.
Coding change: c.1776G>T on transcript NM_019112.4 (MANE Select); coding-DNA position 1776, G replaced by T.
Protein change: p.Trp592Cys; replaces tryptophan 592 with cysteine.
Molecular consequence: missense variant.
Genome position (GRCh38, 1-based): chr19:1,046,955, G>T. VCF-style: chr19-1046955-G-T. GRCh37 (hg19) VCF-style: chr19-1046954-G-T.
Other names: short protein forms W592C.
Identifiers: ClinVar variation 1178347 (VCV001178347.2), dbSNP rs746307442, ClinGen allele CA402951466.